The following is an entry in ClinVar:

NM_000069.3(CACNA1S):c.900+5G>A

Gene: CACNA1S (calcium voltage-gated channel subunit alpha1 S; minus strand). Cytogenetic location: 1q32.1.
Variant type: single nucleotide variant.
Coding change: c.900+5G>A on transcript NM_000069.3 (MANE Select); 5 bases into the intron after coding-DNA position 900, G replaced by A.
Molecular consequence: intron variant.
Genome position (GRCh38, 1-based): chr1:201,089,253, C>T on the plus strand (G>A on the coding strand, the complement: CACNA1S is on the minus strand). VCF-style: chr1-201089253-C-T. GRCh37 (hg19) VCF-style: chr1-201058381-C-T.
Identifiers: ClinVar variation 3577711 (VCV003577711.3).

ClinVar aggregate classification (germline): Uncertain significance. Review status: criteria provided, multiple submitters, no conflicts (2 of 4 stars). 2 submissions from 2 submitters: Uncertain significance (2). Last evaluated 2024-09-16.

Conditions:
Malignant hyperthermia, susceptibility to, 5 (MHS5). Also called: CACNA1S-Related Malignant Hyperthermia Susceptibility. Identifiers: Orphanet 423, MedGen C1866077, MONDO:0011163, OMIM 601887.
Hypokalemic periodic paralysis, type 1. Also called: Hypokalemic Periodic Paralysis Type 1 (AD); HypoPP. Identifiers: Orphanet 681, MedGen C3714580, MONDO:0042979, OMIM 170400.
Congenital myopathy 18. Also called: Myopathy, congenital, due to dihydropyridine receptor defect; DIHYDROPYRIDINE RECEPTOR CONGENITAL MYOPATHY; DHPR CONGENITAL MYOPATHY. Identifiers: MedGen C5830283, MONDO:0859514, OMIM 620246.
Thyrotoxic periodic paralysis, susceptibility to, 1 (TTPP1). Identifiers: Orphanet 79102, MedGen C2749982, MONDO:0008570, OMIM 188580.

gnomAD v4.1: 6 of 1,613,804 alleles (0.00037%); highest among the groups gnomAD compares: African/African-American, 0.0067%; no homozygotes.

Submissions (2):

Labcorp Genetics (formerly Invitae), Labcorp
Classification: Uncertain significance for Hypokalemic periodic paralysis, type 1; Malignant hyperthermia, susceptibility to, 5. Last evaluated: 2024-09-16. Review status: criteria provided, single submitter. Criteria: Invitae Variant Classification Sherloc (09022015). Collection method: clinical testing. Allele origin: germline.
Comment: This sequence change falls in intron 6 of the CACNA1S gene. It does not directly change the encoded amino acid sequence of the CACNA1S protein. It affects a nucleotide within the consensus splice site. This variant is present in population databases (no rsID available, gnomAD 0.01%). This variant has not been reported in the literature in individuals affected with CACNA1S-related conditions. Variants that disrupt the consensus splice site are a relatively common cause of aberrant splicing (PMID: 17576681, 9536098). Algorithms developed to predict the effect of sequence changes on RNA splicing suggest that this variant may disrupt the consensus splice site. In summary, the available evidence is currently insufficient to determine the role of this variant in disease. Therefore, it has been classified as a Variant of Uncertain Significance.

Fulgent Genetics
Classification: Uncertain significance for Hypokalemic periodic paralysis, type 1; Thyrotoxic periodic paralysis, susceptibility to, 1; Malignant hyperthermia, susceptibility to, 5; Congenital myopathy 18. Last evaluated: 2023-12-28. Review status: criteria provided, single submitter. Criteria: ACMG Guidelines, 2015. Collection method: clinical testing. Allele origin: germline.

Literature cited by the submitters: PubMed 17576681 (cited by Labcorp Genetics (formerly Invitae), Labcorp); PubMed 9536098 (cited by Labcorp Genetics (formerly Invitae), Labcorp).